The following is an entry in ClinVar:

ClinVar aggregate classification (germline): Uncertain significance. Review status: criteria provided, multiple submitters, no conflicts (2 of 4 stars). 2 submissions from 2 submitters: Uncertain significance (2). Last evaluated 2025-12-15.

Allele frequency attached by ClinVar (database versions not stated): gnomAD exomes below 0.00001.
gnomAD v4.1: 1 of 1,612,852 alleles (0.000062%); highest among the groups gnomAD compares: Non-Finnish European, 0.000085%; no homozygotes.

Submissions (2):

Ambry Genetics
Classification: Uncertain significance. Last evaluated: 2025-12-15. Review status: criteria provided, single submitter. Criteria: Ambry Variant Classification Scheme 2023. Collection method: clinical testing. Allele origin: germline.
Comment: The p.A547V variant (also known as c.1640C>T), located in coding exon 12 of the RECQL gene, results from a C to T substitution at nucleotide position 1640. The alanine at codon 547 is replaced by valine, an amino acid with similar properties. This amino acid position is not well conserved in available vertebrate species. In addition, this alteration is predicted to be tolerated by in silico analysis. Since supporting evidence is limited at this time, the clinical significance of this alteration remains unclear.

Labcorp Genetics (formerly Invitae), Labcorp
Classification: Uncertain significance. Last evaluated: 2022-09-08. Review status: criteria provided, single submitter. Criteria: Invitae Variant Classification Sherloc (09022015). Collection method: clinical testing. Allele origin: germline.
Comment: This variant has not been reported in the literature in individuals affected with RECQL-related conditions. In summary, the available evidence is currently insufficient to determine the role of this variant in disease. Therefore, it has been classified as a Variant of Uncertain Significance. Advanced modeling of protein sequence and biophysical properties (such as structural, functional, and spatial information, amino acid conservation, physicochemical variation, residue mobility, and thermodynamic stability) performed at Invitae indicates that this missense variant is not expected to disrupt RECQL protein function. This variant is present in population databases (no rsID available, gnomAD 0.0009%). This sequence change replaces alanine, which is neutral and non-polar, with valine, which is neutral and non-polar, at codon 547 of the RECQL protein (p.Ala547Val).

NM_002907.4(RECQL):c.1640C>T (p.Ala547Val)

Gene: RECQL (RecQ like helicase; minus strand). Cytogenetic location: 12p12.1.
Variant type: single nucleotide variant.
Coding change: c.1640C>T on transcript NM_002907.4 (MANE Select); coding-DNA position 1640, C replaced by T.
Protein change: p.Ala547Val; replaces alanine 547 with valine.
Molecular consequence: missense variant.
Genome position (GRCh38, 1-based): chr12:21,471,455, G>A on the plus strand (C>T on the coding strand, the complement: RECQL is on the minus strand). VCF-style: chr12-21471455-G-A. GRCh37 (hg19) VCF-style: chr12-21624389-G-A.
Other names: c.1640C>T, p.Ala547Val (NM_032941.3); short protein forms A547V.
Identifiers: ClinVar variation 1777033 (VCV001777033.8), dbSNP rs1236984074, ClinGen allele CA384115082.
Genomic context (GRCh38, chr12:21,471,455, plus strand): 5'-ACCTGAAAGAATAATGAATGAGTTTGTACATACTTAAGATACTGCTGTATTAGAAAGTGT[G>A]CAATAATCTTCTCCAGATCTTCACGAGGAAGTGTGGGAGCCACAACACCTGCTACTCTCA-3'
Protein context (NP_002898.2, residues 537-557): LPREDLEKII[Ala547Val]HFLIQQYLKE